The following is an entry in ClinVar:

NM_002439.5(MSH3):c.2085A>G (p.Lys695=)

Gene: MSH3 (mutS homolog 3; plus strand). Cytogenetic location: 5q14.1.
Variant type: single nucleotide variant.
Coding change: c.2085A>G on transcript NM_002439.5 (MANE Select); coding-DNA position 2085, A replaced by G.
Protein change: p.Lys695=; no amino-acid change (lysine 695 retained).
Molecular consequence: synonymous variant.
Genome position (GRCh38, 1-based): chr5:80,768,835, A>G. VCF-style: chr5-80768835-A-G. GRCh37 (hg19) VCF-style: chr5-80064654-A-G.
Identifiers: ClinVar variation 664133 (VCV000664133.27), dbSNP rs777245977, ClinGen allele CA3328139.

ClinVar aggregate classification (germline): Conflicting classifications of pathogenicity. Review status: criteria provided, conflicting classifications (1 of 4 stars). 6 submissions from 6 submitters: Uncertain significance (1); Likely benign (5). Last evaluated 2025-12-23.

Conditions:
Hereditary cancer-predisposing syndrome. Also called: Neoplastic Syndromes, Hereditary; Hereditary Cancer Syndrome; Tumor predisposition; Hereditary neoplastic syndrome. Identifiers: Orphanet 140162, MedGen C0027672, MeSH D009386, MONDO:0015356.
MSH3-related disorder. Also called: MSH3-related condition.

Allele frequency attached by ClinVar (database versions not stated): gnomAD 0.00004; TOPMed 0.00006; gnomAD exomes 0.00001 and 0.00002; ExAC 0.00002.
gnomAD v4.1: 21 of 1,601,308 alleles (0.0013%); highest among the groups gnomAD compares: Middle Eastern, 0.034%; no homozygotes.

Submissions (6):

Labcorp Genetics (formerly Invitae), Labcorp
Classification: Likely benign. Last evaluated: 2025-12-23. Review status: criteria provided, single submitter. Criteria: Invitae Variant Classification Sherloc (09022015). Collection method: clinical testing. Allele origin: germline.

Quest Diagnostics Nichols Institute San Juan Capistrano
Classification: Uncertain significance. Last evaluated: 2025-07-30. Review status: criteria provided, single submitter. Criteria: Quest Diagnostics criteria. Collection method: clinical testing. Allele origin: unknown.
Comment: The MSH3 c.2085A>G (p.Lys695=) synonymous variant has been reported in the published literature in an individual who met the criteria for Hereditary Breast and Ovarian Cancer (HBOC) genetic testing (PMID: 38136308 (2023)). The frequency of this variant in the general population (Genome Aggregation Database) is uninformative in the assessment of its pathogenicity. Analysis of this variant using software algorithms for the prediction of the effect of nucleotide changes on splicing yielded predictions that this variant does not affect MSH3 mRNA splicing. Based on the available information, we are unable to determine the clinical significance of this variant.

PreventionGenetics, part of Exact Sciences
Classification: Likely benign for MSH3-related condition. Last evaluated: 2025-04-14. Review status: criteria provided, single submitter. Criteria: ACMG Guidelines, 2015. Collection method: clinical testing. Allele origin: germline.
Comment: This variant is classified as likely benign based on ACMG/AMP sequence variant interpretation guidelines (Richards et al. 2015 PMID: 25741868, with internal and published modifications).

CeGaT Center for Human Genetics Tuebingen
Classification: Likely benign. Last evaluated: 2025-03-01. Review status: criteria provided, single submitter. Criteria: CeGaT Center For Human Genetics Tuebingen Variant Classification Criteria Version 2. Collection method: clinical testing. Allele origin: germline. Affected: yes. Observed: 1 variant allele.
Comment: MSH3: BP4, BP7

Blueprint Genetics
Classification: Likely benign. Last evaluated: 2024-10-14. Review status: criteria provided, single submitter. Criteria: ACMG Guidelines, 2015. Collection method: clinical testing. Allele origin: germline.

Ambry Genetics
Classification: Likely benign for Hereditary cancer-predisposing syndrome. Last evaluated: 2019-05-20. Review status: criteria provided, single submitter. Criteria: Ambry Variant Classification Scheme 2023. Collection method: clinical testing. Allele origin: germline.

Literature cited by the submitters: PubMed 38136308 (cited by Quest Diagnostics Nichols Institute San Juan Capistrano).